The following is an entry in ClinVar:

ClinVar aggregate classification (germline): Conflicting classifications of pathogenicity. Review status: criteria provided, conflicting classifications (1 of 4 stars). 3 submissions from 3 submitters: Uncertain significance (1); Likely benign (2). Last evaluated 2025-08-18.

Conditions:
Myofibrillar myopathy 5. Also called: Filaminopathy (type); FILAMINOPATHY, AUTOSOMAL DOMINANT. Identifiers: Orphanet 171445, MedGen C1836050, MONDO:0012289, OMIM 609524.
Hypertrophic cardiomyopathy 26. Also called: Cardiomyopathy, familial hypertrophic, 26. Identifiers: Orphanet 75249, MedGen C4310749, MONDO:0014883, OMIM 617047.
Distal myopathy with posterior leg and anterior hand involvement. Also called: WILLIAMS DISTAL MYOPATHY. Identifiers: Orphanet 63273, MedGen C3279722, MONDO:0013550, OMIM 614065.
Cardiovascular phenotype. Identifiers: MedGen CN230736.

Allele frequency attached by ClinVar (database versions not stated): ExAC 0.00001; gnomAD 0.00001; gnomAD exomes 0.00001; TOPMed 0.00003; 1000 Genomes Project 0.00020; 1000 Genomes Project 30x 0.00031.
gnomAD v4.1: 12 of 1,614,226 alleles (0.00074%); highest among the groups gnomAD compares: African/African-American, 0.004%; no homozygotes.

Submissions (3):

Labcorp Genetics (formerly Invitae), Labcorp
Classification: Likely benign for Distal myopathy with posterior leg and anterior hand involvement; Myofibrillar myopathy 5; Hypertrophic cardiomyopathy 26. Last evaluated: 2025-08-18. Review status: criteria provided, single submitter. Criteria: Invitae Variant Classification Sherloc (09022015). Collection method: clinical testing. Allele origin: germline.

Ambry Genetics
Classification: Uncertain significance for Cardiovascular phenotype. Last evaluated: 2025-02-10. Review status: criteria provided, single submitter. Criteria: Ambry Variant Classification Scheme 2023. Collection method: clinical testing. Allele origin: germline.
Comment: The c.5055G>A variant (also known as p.P1685P), located in coding exon 30 of the FLNC gene, results from a G to A substitution at nucleotide position 5055. This nucleotide substitution does not change the amino acid at codon 1685. This nucleotide position is poorly conserved in available vertebrate species. In silico splice site analysis for this alteration is inconclusive. Based on the available evidence, the clinical significance of this variant remains unclear.

GeneDx
Classification: Likely benign. Last evaluated: 2016-03-09. Review status: criteria provided, single submitter. Criteria: GeneDx Variant Classification (06012015). Collection method: clinical testing. Allele origin: germline. Affected: yes.
Comment: This variant is considered likely benign or benign based on one or more of the following criteria: it is a conservative change, it occurs at a poorly conserved position in the protein, it is predicted to be benign by multiple in silico algorithms, and/or has population frequency not consistent with disease.

NM_001458.5(FLNC):c.5055G>A (p.Pro1685=)

Gene: FLNC (filamin C; plus strand). Cytogenetic location: 7q32.1.
Variant type: single nucleotide variant.
Coding change: c.5055G>A on transcript NM_001458.5 (MANE Select); coding-DNA position 5055, G replaced by A.
Protein change: p.Pro1685=; no amino-acid change (proline 1685 retained).
Molecular consequence: synonymous variant.
Genome position (GRCh38, 1-based): chr7:128,849,434, G>A. VCF-style: chr7-128849434-G-A. GRCh37 (hg19) VCF-style: chr7-128489488-G-A.
Other names: c.5055G>A, p.Pro1685= (NM_001127487.2).
Identifiers: ClinVar variation 384163 (VCV000384163.13), dbSNP rs57797061, ClinGen allele CA4475551.